The following is an entry in ClinVar:

ClinVar aggregate classification (germline): Uncertain significance. Review status: criteria provided, multiple submitters, no conflicts (2 of 4 stars). 2 submissions from 2 submitters: Uncertain significance (2). Last evaluated 2025-09-02.

Conditions:
Cardiovascular phenotype. Identifiers: MedGen CN230736.
Catecholaminergic polymorphic ventricular tachycardia 1. Also called: RYR2-Related Catecholaminergic Polymorphic Ventricular Tachycardia; VENTRICULAR TACHYCARDIA, CATECHOLAMINERGIC POLYMORPHIC, 1, WITH OR WITHOUT ATRIAL DYSFUNCTION AND/OR DILATED CARDIOMYOPATHY; VENTRICULAR TACHYCARDIA, STRESS-INDUCED POLYMORPHIC 1. Identifiers: Orphanet 3286, MedGen C1631597, MONDO:0011484, OMIM 604772.

Submissions (2):

Labcorp Genetics (formerly Invitae), Labcorp
Classification: Uncertain significance for Catecholaminergic polymorphic ventricular tachycardia 1. Last evaluated: 2025-09-02. Review status: criteria provided, single submitter. Criteria: Invitae Variant Classification Sherloc (09022015). Collection method: clinical testing. Allele origin: germline.
Comment: This sequence change replaces serine, which is neutral and polar, with threonine, which is neutral and polar, at codon 3349 of the RYR2 protein (p.Ser3349Thr). This variant is present in population databases (rs769448366, gnomAD 0.003%). This variant has not been reported in the literature in individuals affected with RYR2-related conditions. ClinVar contains an entry for this variant (Variation ID: 3436606). Invitae Evidence Modeling of protein sequence and biophysical properties (such as structural, functional, and spatial information, amino acid conservation, physicochemical variation, residue mobility, and thermodynamic stability) has been performed for this missense variant. However, the output from this modeling did not meet the statistical confidence thresholds required to predict the impact of this variant on RYR2 protein function. In summary, the available evidence is currently insufficient to determine the role of this variant in disease. Therefore, it has been classified as a Variant of Uncertain Significance.

Ambry Genetics
Classification: Uncertain significance for Cardiovascular phenotype. Last evaluated: 2024-11-14. Review status: criteria provided, single submitter. Criteria: Ambry Variant Classification Scheme 2023. Collection method: clinical testing. Allele origin: germline.
Comment: The p.S3349T variant (also known as c.10045T>A), located in coding exon 69 of the RYR2 gene, results from a T to A substitution at nucleotide position 10045. The serine at codon 3349 is replaced by threonine, an amino acid with similar properties. This variant has been reported in an individual(s) in an sudden cardiac arrest cohort, but clinical details were limited (Seidelmann SB et al. Circ Cardiovasc Genet, 2017 Feb;10:[ePub ahead of print]). This amino acid position is highly conserved in available vertebrate species. In addition, the in silico prediction for this alteration is inconclusive. Based on the available evidence, the clinical significance of this variant remains unclear.

Literature cited by the submitters: PubMed 28087566 (cited by Ambry Genetics).

NM_001035.3(RYR2):c.10045T>A (p.Ser3349Thr)

Gene: RYR2 (ryanodine receptor 2; plus strand). Cytogenetic location: 1q43.
Variant type: single nucleotide variant.
Coding change: c.10045T>A on transcript NM_001035.3 (MANE Select); coding-DNA position 10045, T replaced by A.
Protein change: p.Ser3349Thr; replaces serine 3349 with threonine.
Molecular consequence: missense variant.
Genome position (GRCh38, 1-based): chr1:237,709,001, T>A. VCF-style: chr1-237709001-T-A. GRCh37 (hg19) VCF-style: chr1-237872301-T-A.
Other names: short protein forms S3349T.
Identifiers: ClinVar variation 3436606 (VCV003436606.2).
Genomic context (GRCh38, chr1:237,709,001, plus strand): 5'-AAGGCAGCTACGGTGGTGTCTGAGGAAGACCACCTGAAAGCTGAGGCCAGGGGGGACATG[T>A]CGGAGGCAGAACTCCTCATCCTAGATGAGTTCACCACACTGGCCAGAGATCTCTATGCCT-3'
Protein context (NP_001026.2, residues 3339-3359): HLKAEARGDM[Ser3349Thr]EAELLILDEF